The following is an entry in ClinVar:

ClinVar aggregate classification (germline): Conflicting classifications of pathogenicity. Review status: criteria provided, conflicting classifications (1 of 4 stars). 3 submissions from 3 submitters: Uncertain significance (2); Likely benign (1). Last evaluated 2023-08-04.

Conditions:
RASopathy. Also called: rasopathies; Noonan spectrum disorder. Identifiers: Orphanet 536391, MedGen C5555857, MONDO:0021060.
Fibromatosis, gingival, 1 (GINGF1). Identifiers: Orphanet 2024, MedGen C4551558, MONDO:0007609, OMIM 135300.
Noonan syndrome 4 (NS4). Also called: SOS1-Related Noonan Syndrome; NOONAN SYNDROME WITH PIGMENTED VILLONODULAR SYNOVITIS. Identifiers: Orphanet 648, MedGen C1853120, MONDO:0012547, OMIM 610733.

Submissions (3):

Labcorp Genetics (formerly Invitae), Labcorp
Classification: Likely benign for RASopathy. Last evaluated: 2023-08-04. Review status: criteria provided, single submitter. Criteria: Invitae Variant Classification Sherloc (09022015). Collection method: clinical testing. Allele origin: germline.

Fulgent Genetics
Classification: Uncertain significance for Fibromatosis, gingival, 1; Noonan syndrome 4. Last evaluated: 2021-08-30. Review status: criteria provided, single submitter. Criteria: ACMG Guidelines, 2015. Collection method: clinical testing. Allele origin: unknown.

GeneDx
Classification: Uncertain significance. Last evaluated: 2013-05-22. Review status: criteria provided, single submitter. Criteria: GeneDx Variant Classification (06012015). Collection method: clinical testing. Allele origin: germline. Affected: yes.
Comment: p.Met1319Arg (ATG>AGG): c.3956 T>G in exon 23 of the SOS1 gene (NM_005633.3).The M1319R missense change in the SOS1 gene has not been reported previously as a disease-causing mutation or as a benign polymorphism, to our knowledge. The M1319R amino acid substitution is non-conservative with a neutral and non-polar residue (Met) being replaced by a positively charged and polar residue (Arg). The residue at which this substitution occurs is variable in the protein. The M1319R variant was not observed in approximately 6,500 individuals of European and African American ancestry in the NHLBI Exome Sequencing Project, indicating it is not a common benign variant in these populations. To date, there have been no disease-associated mutations reported after codon Serine 1096 in SOS1. The vast majority of missense changes in SOS1 are pathogenic; however, a small number of missense polymorphisms have been identified in this gene. Therefore, the M1319R missense change is interpreted as a variant of unknown significance. The variant is found in NOONAN panel(s).

NM_005633.4(SOS1):c.3956T>G (p.Met1319Arg)

Gene: SOS1 (SOS Ras/Rac guanine nucleotide exchange factor 1; minus strand). Cytogenetic location: 2p22.1.
Variant type: single nucleotide variant.
Coding change: c.3956T>G on transcript NM_005633.4 (MANE Select); coding-DNA position 3956, T replaced by G.
Protein change: p.Met1319Arg; replaces methionine 1319 with arginine.
Molecular consequence: missense variant.
Genome position (GRCh38, 1-based): chr2:38,985,870, A>C on the plus strand (T>G on the coding strand, the complement: SOS1 is on the minus strand). VCF-style: chr2-38985870-A-C. GRCh37 (hg19) VCF-style: chr2-39213011-A-C.
Other names: p.M1319R:ATG>AGG; c.3935T>G, p.Met1312Arg (NM_001382394.1); c.3911T>G, p.Met1304Arg (NM_001382395.1); short protein forms M1319R, M1304R, M1312R.
Identifiers: ClinVar variation 181545 (VCV000181545.7), dbSNP rs730881036, ClinGen allele CA297241.